The following is an entry in ClinVar:

ClinVar aggregate classification (germline): Likely pathogenic. Review status: criteria provided, multiple submitters, no conflicts (2 of 4 stars). 2 submissions from 2 submitters: Likely pathogenic (2). Last evaluated 2024-05-10.

Conditions:
Autosomal dominant familial hematuria-retinal arteriolar tortuosity-contractures syndrome. Also called: Angiopathy, hereditary, with nephropathy, aneurysms, and muscle cramps; Hereditary Angiopathy with Nephropathy, Aneurysms, and Muscle Cramps (HANAC) Syndrome. Identifiers: Orphanet 73229, MedGen C2673195, MONDO:0012726, OMIM 611773.

Submissions (2):

Labcorp Genetics (formerly Invitae), Labcorp
Classification: Likely pathogenic. Last evaluated: 2024-05-10. Review status: criteria provided, single submitter. Criteria: Invitae Variant Classification Sherloc (09022015). Collection method: clinical testing. Allele origin: germline.
Comment: This sequence change replaces glycine, which is neutral and non-polar, with aspartic acid, which is acidic and polar, at codon 1384 of the COL4A1 protein (p.Gly1384Asp). This variant is not present in population databases (gnomAD no frequency). This missense change has been observed in individual(s) with clinical features of Alport syndrome (PMID: 33532864). ClinVar contains an entry for this variant (Variation ID: 974461). An algorithm developed to predict the effect of missense changes on protein structure and function (PolyPhen-2) suggests that this variant is likely to be disruptive. This variant disrupts the triple helix domain of COL4A1. Glycine residues within the Gly-Xaa-Yaa repeats of the triple helix domain are required for the structure and stability of fibrillar collagens (PMID: 7695699, 8218237, 19344236). In COL4A1 variants affecting these glycine residues are significantly enriched in individuals with disease (PMID: 9016532, 17078022) compared to the general population (ExAC). In summary, the currently available evidence indicates that the variant is pathogenic, but additional data are needed to prove that conclusively. Therefore, this variant has been classified as Likely Pathogenic.

Molecular Biology Laboratory, Fundació Puigvert
Classification: Likely pathogenic for Autosomal dominant familial hematuria-retinal arteriolar tortuosity-contractures syndrome. Last evaluated: 2020-02-01. Review status: criteria provided, single submitter. Criteria: ACMG Guidelines, 2015. Collection method: research. Allele origin: maternal. Affected: yes. Study: KidneyPanel_2020.

Literature cited by the submitters: PubMed 33532864 (cited by Labcorp Genetics (formerly Invitae), Labcorp and Molecular Biology Laboratory, Fundació Puigvert); PubMed 7695699 (cited by Labcorp Genetics (formerly Invitae), Labcorp); PubMed 8218237 (cited by Labcorp Genetics (formerly Invitae), Labcorp); PubMed 19344236 (cited by Labcorp Genetics (formerly Invitae), Labcorp); PubMed 9016532 (cited by Labcorp Genetics (formerly Invitae), Labcorp); PubMed 17078022 (cited by Labcorp Genetics (formerly Invitae), Labcorp).

NM_001845.6(COL4A1):c.4151G>A (p.Gly1384Asp)

Gene: COL4A1 (collagen type IV alpha 1 chain; minus strand). Cytogenetic location: 13q34.
Variant type: single nucleotide variant.
Coding change: c.4151G>A on transcript NM_001845.6 (MANE Select); coding-DNA position 4151, G replaced by A.
Protein change: p.Gly1384Asp; replaces glycine 1384 with aspartic acid.
Molecular consequence: missense variant.
Genome position (GRCh38, 1-based): chr13:110,163,561, C>T on the plus strand (G>A on the coding strand, the complement: COL4A1 is on the minus strand). VCF-style: chr13-110163561-C-T. GRCh37 (hg19) VCF-style: chr13-110815908-C-T.
Other names: short protein forms G1384D.
Identifiers: ClinVar variation 974461 (VCV000974461.3), dbSNP rs1877185960, ClinGen allele CA388659509.
Genomic context (GRCh38, chr13:110,163,561, plus strand): 5'-GGGGCACCGTCAAACCCAGGAATACCTGGAGGTCCAGGTATACCCACCAATCCTGTAACA[C>T]CTGAGGCAGAGGAAAAATAATTTATGATCCTGTATGGCAGTAAGCTGTATCTCTTTCTTC-3'
Protein context (NP_001836.3, residues 1374-1394): QGLPGPKGQQ[Gly1384Asp]VTGLVGIPGP